The following is an entry in ClinVar:

ClinVar aggregate classification (germline): Uncertain significance. Review status: criteria provided, multiple submitters, no conflicts (2 of 4 stars). 3 submissions from 3 submitters: Uncertain significance (3). Last evaluated 2024-01-30.

Conditions:
Cardiovascular phenotype. Identifiers: MedGen CN230736.
Hypertrophic cardiomyopathy 1 (CMH1). Also called: MYH7-Related Familial Hypertrophic Cardiomyopathy; Familial hypertrophic cardiomyopathy 1. Identifiers: MedGen C3495498, MONDO:0008647, OMIM 192600.
Hypertrophic cardiomyopathy 14. Identifiers: MedGen C2750467, MONDO:0013197, OMIM 613251.
Sick sinus syndrome 3, susceptibility to (SSS3). Identifiers: Orphanet 166282, MedGen C3279791, MONDO:0013568, OMIM 614090.
Dilated cardiomyopathy 1EE (CMD1EE). Identifiers: Orphanet 154, MedGen C2750466, MONDO:0013198, OMIM 613252.
Atrial septal defect 3 (ASD3). Identifiers: Orphanet 1478, MedGen C3279790, MONDO:0013567, OMIM 614089.

Allele frequency attached by ClinVar (database versions not stated): gnomAD exomes below 0.00001 and 0.00001; ExAC 0.00001; gnomAD 0.00001; TOPMed 0.00005.
gnomAD v4.1: 22 of 1,614,114 alleles (0.0014%); highest among the groups gnomAD compares: African/African-American, 0.0027%; no homozygotes.

Submissions (3):

Labcorp Genetics (formerly Invitae), Labcorp
Classification: Uncertain significance for Hypertrophic cardiomyopathy 14. Last evaluated: 2024-01-30. Review status: criteria provided, single submitter. Criteria: Invitae Variant Classification Sherloc (09022015). Collection method: clinical testing. Allele origin: germline.
Comment: This sequence change affects an acceptor splice site in intron 17 of the MYH6 gene. It is expected to disrupt RNA splicing. Variants that disrupt the donor or acceptor splice site typically lead to a loss of protein function (PMID: 16199547), however the current clinical and genetic evidence is not sufficient to establish whether loss-of-function variants in MYH6 cause disease. This variant is present in population databases (rs773772551, gnomAD 0.007%). This variant has not been reported in the literature in individuals affected with MYH6-related conditions. ClinVar contains an entry for this variant (Variation ID: 1035818). Algorithms developed to predict the effect of sequence changes on RNA splicing suggest that this variant may disrupt the consensus splice site. In summary, the available evidence is currently insufficient to determine the role of this variant in disease. Therefore, it has been classified as a Variant of Uncertain Significance.

Ambry Genetics
Classification: Uncertain significance for Cardiovascular phenotype. Last evaluated: 2023-11-30. Review status: criteria provided, single submitter. Criteria: Ambry Variant Classification Scheme 2023. Collection method: clinical testing. Allele origin: germline.
Comment: The c.2051-1G>A intronic variant results from a G to A substitution one nucleotide upstream from coding exon 16 of the MYH6 gene. This nucleotide position is highly conserved in available vertebrate species. In silico splice site analysis predicts that this alteration will weaken the native splice acceptor site and will result in the creation or strengthening of a novel splice acceptor site. Alterations that disrupt the canonical splice site are expected to cause aberrant splicing, resulting in an abnormal protein or a transcript that is subject to nonsense-mediated mRNA decay. However, loss of function of MYH6 has not been clearly established as a mechanism of disease. Since supporting evidence is limited at this time, the clinical significance of this alteration remains unclear.

Fulgent Genetics
Classification: Uncertain significance for Hypertrophic cardiomyopathy 1; Hypertrophic cardiomyopathy 14; Dilated cardiomyopathy 1EE; Atrial septal defect 3; Sick sinus syndrome 3, susceptibility to. Last evaluated: 2021-09-04. Review status: criteria provided, single submitter. Criteria: ACMG Guidelines, 2015. Collection method: clinical testing. Allele origin: unknown.

Literature cited by the submitters: PubMed 16199547 (cited by Labcorp Genetics (formerly Invitae), Labcorp).

NM_002471.4(MYH6):c.2051-1G>A

Gene: MYH6 (myosin heavy chain 6; minus strand). Cytogenetic location: 14q11.2.
Variant type: single nucleotide variant.
Coding change: c.2051-1G>A on transcript NM_002471.4 (MANE Select); the canonical splice acceptor site of the intron before coding-DNA position 2051, G replaced by A.
Molecular consequence: splice acceptor variant.
Genome position (GRCh38, 1-based): chr14:23,397,081, C>T on the plus strand (G>A on the coding strand, the complement: MYH6 is on the minus strand). VCF-style: chr14-23397081-C-T. GRCh37 (hg19) VCF-style: chr14-23866290-C-T.
Identifiers: ClinVar variation 1035818 (VCV001035818.10), dbSNP rs773772551, ClinGen allele CA7115603.
Genomic context (GRCh38, chr14:23,397,081, plus strand): 5'-TGCCCTCCAGCACGCCATTGCAGCGCAGCTGGTGCATGACCAGGGGGTTGTCCATCACCC[C>T]TGTGTCAGGAGGGAAGGGGAAAGGGTCAGCCTTAGGGTAAAGTGGATGCCAGCTGTCCTC-3'